The following is an entry in ClinVar:

NM_006343.3(MERTK):c.163C>A (p.His55Asn)

Gene: MERTK (MER proto-oncogene, tyrosine kinase; plus strand). Cytogenetic location: 2q13.
Variant type: single nucleotide variant.
Coding change: c.163C>A on transcript NM_006343.3 (MANE Select); coding-DNA position 163, C replaced by A.
Protein change: p.His55Asn; replaces histidine 55 with asparagine.
Molecular consequence: missense variant.
Genome position (GRCh38, 1-based): chr2:111,929,221, C>A. VCF-style: chr2-111929221-C-A. GRCh37 (hg19) VCF-style: chr2-112686798-C-A.
Other names: short protein forms H55N.
Identifiers: ClinVar variation 1049956 (VCV001049956.1), dbSNP rs754922274, ClinGen allele CA348226053.

ClinVar aggregate classification (germline): Uncertain significance (0 of 4 stars; one submission).

Submission:

Department of Pathology and Laboratory Medicine, Sinai Health System
Classification: Uncertain significance. Review status: no assertion criteria provided. Collection method: clinical testing. Allele origin: unknown. Affected: yes. Study: The Canadian Open Genetics Repository (COGR).
Comment: The MERTK p.H55N variant was not identified in the literature nor was it identified in dbSNP, ClinVar or in the following control databases: the 1000 Genomes Project, the NHLBI GO Exome Sequencing Project, or the Genome Aggregation Database (March 6, 2019, v2.1.1). The p.H55 residue is conserved in mammals and computational analyses (MUT Assesor, SIFT, MutationTaster, Revel, FATHMM, MetaLR, DANN) provide inconsistent predictions regarding the impact to the protein; this information is not very predictive of pathogenicity. The variant occurs outside of the splicing consensus sequence and in silico or computational prediction software programs (Splice AI exome) do not predict a difference in splicing. In summary, based on the above information the clinical significance of this variant cannot be determined with certainty at this time. This variant is classified as a variant of uncertain significance.